The following is an entry in ClinVar:

ClinVar aggregate classification (germline): Uncertain significance (1 of 4 stars; one submission).

Allele frequency attached by ClinVar (database versions not stated): ExAC 0.00001; TOPMed 0.00001; gnomAD 0.00002.
gnomAD v4.1: 9 of 1,614,082 alleles (0.00056%); highest among the groups gnomAD compares: African/African-American, 0.004%; no homozygotes.

Submission:

Labcorp Genetics (formerly Invitae), Labcorp
Classification: Uncertain significance. Last evaluated: 2022-05-29. Review status: criteria provided, single submitter. Criteria: Invitae Variant Classification Sherloc (09022015). Collection method: clinical testing. Allele origin: germline.
Comment: This sequence change replaces threonine, which is neutral and polar, with methionine, which is neutral and non-polar, at codon 867 of the CNGB1 protein (p.Thr867Met). This variant is present in population databases (rs759367882, gnomAD 0.005%). This variant has not been reported in the literature in individuals affected with CNGB1-related conditions. Advanced modeling of protein sequence and biophysical properties (such as structural, functional, and spatial information, amino acid conservation, physicochemical variation, residue mobility, and thermodynamic stability) performed at Invitae indicates that this missense variant is not expected to disrupt CNGB1 protein function. In summary, the available evidence is currently insufficient to determine the role of this variant in disease. Therefore, it has been classified as a Variant of Uncertain Significance.

NM_001297.5(CNGB1):c.2600C>T (p.Thr867Met)

Gene: CNGB1 (cyclic nucleotide gated channel subunit beta 1; minus strand). Cytogenetic location: 16q21.
Variant type: single nucleotide variant.
Coding change: c.2600C>T on transcript NM_001297.5 (MANE Select); coding-DNA position 2600, C replaced by T.
Protein change: p.Thr867Met; replaces threonine 867 with methionine.
Molecular consequence: missense variant.
Genome position (GRCh38, 1-based): chr16:57,904,768, G>A on the plus strand (C>T on the coding strand, the complement: CNGB1 is on the minus strand). VCF-style: chr16-57904768-G-A. GRCh37 (hg19) VCF-style: chr16-57938672-G-A.
Other names: c.2582C>T, p.Thr861Met (NM_001286130.2); short protein forms T861M, T867M.
Identifiers: ClinVar variation 1917185 (VCV001917185.2), dbSNP rs759367882, ClinGen allele CA8082918.